The following is an entry in ClinVar:

ClinVar aggregate classification (germline): Conflicting classifications of pathogenicity. Review status: criteria provided, conflicting classifications (1 of 4 stars). 5 submissions from 4 submitters: Uncertain significance (2); Likely benign (3). Last evaluated 2024-03-22.

Conditions:
Hereditary cancer-predisposing syndrome. Also called: Hereditary neoplastic syndrome; Tumor predisposition; Neoplastic Syndromes, Hereditary; Hereditary Cancer Syndrome. Identifiers: Orphanet 140162, MedGen C0027672, MeSH D009386, MONDO:0015356.
Hereditary breast ovarian cancer syndrome. Also called: Hereditary breast and ovarian cancer syndrome; Hereditary breast and/or ovarian cancer syndrome; Breast and ovarian cancer; Hereditary breast and ovarian cancer; Hereditary breast and ovarian cancer syndrome (HBOC); BRCA1- and BRCA2-Associated Hereditary Breast and Ovarian Cancer. Identifiers: Orphanet 145, MedGen C0677776, MeSH D061325, MONDO:0003582. Disease mechanism: loss of function.

Submissions (5):

Blueprint Genetics
Classification: Likely benign. Last evaluated: 2024-03-22. Review status: criteria provided, single submitter. Criteria: ACMG Guidelines, 2015. Collection method: clinical testing. Allele origin: germline.

University of Washington Department of Laboratory Medicine, University of Washington
Classification: Likely benign for Hereditary cancer-predisposing syndrome. Last evaluated: 2023-03-23. Review status: criteria provided, single submitter. Criteria: Dines et al. (Genet Med. 2020). Collection method: curation. Allele origin: germline.
Comment: Missense variant in a coldspot region where missense variants are very unlikely to be pathogenic (PMID:31911673).

BRCA1 coldspot (exon 11 using historical exon numbering). Reclassification based on statistical prior probability

Ambry Genetics
Classification: Uncertain significance for Hereditary cancer-predisposing syndrome. Last evaluated: 2023-02-16. Review status: criteria provided, single submitter. Criteria: Ambry Variant Classification Scheme 2023. Collection method: clinical testing. Allele origin: germline.
Comment: The p.K339R variant (also known as c.1016A>G), located in coding exon 9 of the BRCA1 gene, results from an A to G substitution at nucleotide position 1016. The lysine at codon 339 is replaced by arginine, an amino acid with highly similar properties. This alteration was classified as likely benign by one study that evaluated multiple lines of evidence, including population data, functional evidence, in silico prediction models, segregation with disease and clinical phenotype including tumor characteristics (Tsai GJ et al. Genet Med, 2019 Jun;21:1435-1442). This amino acid position is not well conserved in available vertebrate species. In addition, the in silico prediction for this alteration is inconclusive. Since supporting evidence is limited at this time, the clinical significance of this alteration remains unclear.

Labcorp Genetics (formerly Invitae), Labcorp
Classification: Uncertain significance for Hereditary breast ovarian cancer syndrome. Last evaluated: 2018-10-18. Review status: criteria provided, single submitter. Criteria: Invitae Variant Classification Sherloc (09022015). Collection method: clinical testing. Allele origin: germline.
Comment: In summary, the available evidence is currently insufficient to determine the role of this variant in disease. Therefore, it has been classified as a Variant of Uncertain Significance. Algorithms developed to predict the effect of missense changes on protein structure and function output the following: SIFT: "Tolerated"; PolyPhen-2: "Benign"; Align-GVGD: "Class C0". The arginine amino acid residue is found in multiple mammalian species, suggesting that this missense change does not adversely affect protein function. These predictions have not been confirmed by published functional studies and their clinical significance is uncertain. This variant has not been reported in the literature in individuals with BRCA1-related disease. ClinVar contains an entry for this variant (Variation ID: 549761). This variant is not present in population databases (ExAC no frequency). This sequence change replaces lysine with arginine at codon 339 of the BRCA1 protein (p.Lys339Arg). The lysine residue is moderately conserved and there is a small physicochemical difference between lysine and arginine.

University of Washington Department of Laboratory Medicine, University of Washington
Classification: Likely benign for Hereditary breast and ovarian cancer syndrome. Last evaluated: 2018-04-01. Review status: criteria provided, single submitter. Criteria: Tsai GJ et al. (Genet Med 2018). Collection method: research. Allele origin: germline. Inheritance: Autosomal dominant inheritance. Affected: no.
Comment: The BRCA1 variant designated as c.1016A>G (p.Lys339Arg) is now classified as likely benign. Cosegregation analysis of one observed family was performed using an online resource (RaÃ±ola et al, 2018, PMID:28965303) and gives a likelihood ratio of 0.20 to 1, which provides moderate evidence that this allele is not associated with similar risk compared to breast other cancer-associated variants in BRCA1. In addition, this variant alters a BRCA1 protein domain where the large majority of missense mutations are benign. This genomic position is not highly conserved. The combined results are consistent with a classification of likely benign. Bayesian analysis integrating all of this data (Tavtigian et al, 2018, PMID:29300386) gives a 2% probability of pathogenicity, which is consistent with a classification of likely benign. This variant is not predicted to alter BRCA1 function or modify cancer risk. A modest (less than 2 fold) increase in cancer risk due to this variant cannot be entirely excluded. This analysis was performed in conjunction with the family studies project as part of the University of Washington Find My Variant Study.

Literature cited by the submitters: PubMed 30374176 (cited by Ambry Genetics).

NM_007294.4(BRCA1):c.1016A>G (p.Lys339Arg)

Gene: BRCA1 (BRCA1 DNA repair associated; minus strand). Cytogenetic location: 17q21.31.
Variant type: single nucleotide variant.
Coding change: c.1016A>G on transcript NM_007294.4 (MANE Select); coding-DNA position 1016, A replaced by G.
Protein change: p.Lys339Arg; replaces lysine 339 with arginine.
Molecular consequence: missense variant. On other transcripts: intron variant (137).
Genome position (GRCh38, 1-based): chr17:43,094,515, T>C on the plus strand (A>G on the coding strand, the complement: BRCA1 is on the minus strand). VCF-style: chr17-43094515-T-C. GRCh37 (hg19) VCF-style: chr17-41246532-T-C.
Other names: c.803A>G, p.Lys268Arg (NM_001407571.1, NM_001407853.1, NM_001407894.1 and 9 more transcripts); c.1016A>G, p.Lys339Arg (NM_001407581.1, NM_001407582.1, NM_001407583.1 and 30 more transcripts); c.1013A>G, p.Lys338Arg (NM_001407587.1, NM_001407590.1, NM_001407591.1 and 22 more transcripts); c.1007A>G, p.Lys336Arg (NM_001407646.1, NM_001407647.1); c.893A>G, p.Lys298Arg (NM_001407648.1, NM_001407664.1, NM_001407665.1 and 19 more transcripts); c.890A>G, p.Lys297Arg (NM_001407649.1, NM_001407670.1, NM_001407671.1 and 11 more transcripts); c.938A>G, p.Lys313Arg (NM_001407653.1, NM_001407654.1, NM_001407655.1 and 4 more transcripts); c.935A>G, p.Lys312Arg (NM_001407659.1, NM_001407660.1, NM_001407661.1 and 1 more transcripts); and 40 more; short protein forms K339R, K292R, K211R, K297R, K212R, K251R, K268R, K338R.
Identifiers: ClinVar variation 549761 (VCV000549761.18), dbSNP rs587781737, ClinGen allele CA10600028.